The following is an entry in ClinVar:

ClinVar aggregate classification (germline): Benign (3 of 4 stars; one submission).

Conditions:
Breast-ovarian cancer, familial, susceptibility to, 2 (BROVCA2). Also called: BRCA2 Hereditary Breast and Ovarian Cancer. Identifiers: Orphanet 145, MedGen C2675520, MONDO:0012933, OMIM 612555. Disease mechanism: loss of function.

Allele frequency attached by ClinVar (database versions not stated): gnomAD 0.00763 and 0.00823; TOPMed 0.00814; 1000 Genomes Project 0.00859; 1000 Genomes Project 30x 0.00874.
gnomAD v4.1: 1,153 of 152,228 alleles (0.76%); highest among the groups gnomAD compares: African/African-American, 2.6%; 21 homozygotes.

Submission:

Evidence-based Network for the Interpretation of Germline Mutant Alleles (ENIGMA)
Classification: Benign for Breast-ovarian cancer, familial 2. Last evaluated: 2015-01-12. Review status: reviewed by expert panel. Criteria: ENIGMA BRCA1/2 Classification Criteria (2015). Collection method: curation. Allele origin: germline.
Comment: Class 1 not pathogenic based on frequency >1% in an outbred sampleset. Frequency 0.03659 (African), derived from 1000 genomes (2012-04-30).

NM_000059.4(BRCA2):c.8755-189G>A

Gene: BRCA2 (BRCA2 DNA repair associated; plus strand). Cytogenetic location: 13q13.1.
Variant type: single nucleotide variant.
Coding change: c.8755-189G>A on transcript NM_000059.4 (MANE Select); 189 bases into the intron before coding-DNA position 8755, G replaced by A.
Molecular consequence: intron variant.
Genome position (GRCh38, 1-based): chr13:32,379,128, G>A. VCF-style: chr13-32379128-G-A. GRCh37 (hg19) VCF-style: chr13-32953265-G-A.
Other names: IVS 21-189G>A.
Identifiers: ClinVar variation 209846 (VCV000209846.1), dbSNP rs11571767, ClinGen allele CA276814.